The following is an entry in ClinVar:

ClinVar aggregate classification (germline): Uncertain significance (0 of 4 stars; one submission).

Conditions:
Familial cancer of breast. Also called: BREAST CANCER, FAMILIAL; Hereditary breast cancer; hereditary breast carcinoma. Identifiers: Orphanet 227535, MedGen C0346153, MONDO:0016419, OMIM 114480. Disease mechanism: loss of function.

Submission:

Leiden Open Variation Database
Classification: Uncertain significance for Familial cancer of breast. Last evaluated: 2019-05-13. Review status: no assertion criteria provided. Collection method: curation. Allele origin: germline. Affected: yes.
Comment: Curators: Marc Tischkowitz, Arleen D. Auerbach. Submitter to LOVD: Marc Tischkowitz.

Literature cited by the submitters: PubMed 25529982.

NM_024675.4(PALB2):c.1285delinsTC (p.Ile429fs)

Gene: PALB2 (partner and localizer of BRCA2; minus strand). Cytogenetic location: 16p12.2.
Variant type: Indel.
Coding change: c.1285delinsTC on transcript NM_024675.4 (MANE Select); coding-DNA position 1285, A replaced by TC.
Protein change: p.Ile429fs; shifts the reading frame from isoleucine 429.
Molecular consequence: frameshift variant.
Genome position (GRCh38, 1-based): chr16:23,635,261, T replaced by GA on the plus strand (A replaced by TC on the coding strand, the reverse complement: PALB2 is on the minus strand). VCF-style: chr16-23635261-T-GA. GRCh37 (hg19) VCF-style: chr16-23646582-T-GA.
Other names: short protein forms I429fs.
Identifiers: ClinVar variation 830133 (VCV000830133.2), dbSNP rs1966979701, ClinGen allele CA916081808.